The following is an entry in ClinVar:

NM_003482.4(KMT2D):c.3025G>C (p.Val1009Leu)

Gene: KMT2D (lysine methyltransferase 2D; minus strand). Cytogenetic location: 12q13.12.
Variant type: single nucleotide variant.
Coding change: c.3025G>C on transcript NM_003482.4 (MANE Select); coding-DNA position 3025, G replaced by C.
Protein change: p.Val1009Leu; replaces valine 1009 with leucine.
Molecular consequence: missense variant.
Genome position (GRCh38, 1-based): chr12:49,050,563, C>G on the plus strand (G>C on the coding strand, the complement: KMT2D is on the minus strand). VCF-style: chr12-49050563-C-G. GRCh37 (hg19) VCF-style: chr12-49444346-C-G.
Other names: short protein forms V1009L.
Identifiers: ClinVar variation 1413273 (VCV001413273.8), dbSNP rs551523882, ClinGen allele CA6548136.

ClinVar aggregate classification (germline): Uncertain significance (1 of 4 stars; one submission).

Conditions:
Kabuki syndrome. Also called: Kabuki make-up syndrome; NIIKAWA-KUROKI SYNDROME. Identifiers: Orphanet 2322, MedGen C0796004, MONDO:0016512.

Submission:

Labcorp Genetics (formerly Invitae), Labcorp
Classification: Uncertain significance for Kabuki syndrome. Last evaluated: 2023-04-24. Review status: criteria provided, single submitter. Criteria: Invitae Variant Classification Sherloc (09022015). Collection method: clinical testing. Allele origin: germline.
Comment: In summary, the available evidence is currently insufficient to determine the role of this variant in disease. Therefore, it has been classified as a Variant of Uncertain Significance. Advanced modeling of protein sequence and biophysical properties (such as structural, functional, and spatial information, amino acid conservation, physicochemical variation, residue mobility, and thermodynamic stability) performed at Invitae indicates that this missense variant is not expected to disrupt KMT2D protein function. ClinVar contains an entry for this variant (Variation ID: 1413273). This variant has not been reported in the literature in individuals affected with KMT2D-related conditions. This variant is present in population databases (rs551523882, gnomAD 0.003%). This sequence change replaces valine, which is neutral and non-polar, with leucine, which is neutral and non-polar, at codon 1009 of the KMT2D protein (p.Val1009Leu).